The following is an entry in ClinVar:

NM_152228.3(TAS1R3):c.2370G>A (p.Arg790=)

Gene: TAS1R3 (taste 1 receptor member 3; plus strand). Cytogenetic location: 1p36.33.
Variant type: single nucleotide variant.
Coding change: c.2370G>A on transcript NM_152228.3 (MANE Select); coding-DNA position 2370, G replaced by A.
Protein change: p.Arg790=; no amino-acid change (arginine 790 retained).
Molecular consequence: synonymous variant.
Genome position (GRCh38, 1-based): chr1:1,334,275, G>A. VCF-style: chr1-1334275-G-A. GRCh37 (hg19) VCF-style: chr1-1269655-G-A.
Identifiers: ClinVar variation 2638002 (VCV002638002.24), dbSNP rs146326046, ClinGen allele CA519630.

ClinVar aggregate classification (germline): Likely benign (1 of 4 stars; one submission).

Allele frequency attached by ClinVar (database versions not stated): gnomAD exomes 0.00006; ExAC 0.00024; gnomAD 0.00058; 1000 Genomes Project 30x 0.00062; TOPMed 0.00070; 1000 Genomes Project 0.00080; ESP Exome Variant Server 0.00100.
gnomAD v4.1: 176 of 1,611,864 alleles (0.011%); highest among the groups gnomAD compares: African/African-American, 0.22%; 1 homozygote.

Submission:

CeGaT Center for Human Genetics Tuebingen
Classification: Likely benign. Last evaluated: 2022-04-01. Review status: criteria provided, single submitter. Criteria: CeGaT Center For Human Genetics Tuebingen Variant Classification Criteria Version 2. Collection method: clinical testing. Allele origin: germline. Affected: yes. Observed: 1 variant allele.
Comment: TAS1R3: BP4, BP7